The following is an entry in ClinVar:

NM_001365276.2(TNXB):c.5170C>T (p.Arg1724Cys)

Gene: TNXB (tenascin XB; minus strand). Cytogenetic location: 6p21.33.
Variant type: single nucleotide variant.
Coding change: c.5170C>T on transcript NM_001365276.2 (MANE Select); coding-DNA position 5170, C replaced by T.
Protein change: p.Arg1724Cys; replaces arginine 1724 with cysteine.
Molecular consequence: missense variant.
Genome position (GRCh38, 1-based): chr6:32,070,235, G>A on the plus strand (C>T on the coding strand, the complement: TNXB is on the minus strand). VCF-style: chr6-32070235-G-A. GRCh37 (hg19) VCF-style: chr6-32038012-G-A.
Other names: c.5170C>T, p.Arg1724Cys (NM_019105.8); short protein forms R1724C.
Identifiers: ClinVar variation 1176194 (VCV001176194.38), dbSNP rs897784867, ClinGen allele CA136888551.

ClinVar aggregate classification (germline): Uncertain significance. Review status: criteria provided, multiple submitters, no conflicts (2 of 4 stars). 2 submissions from 2 submitters: Uncertain significance (2). Last evaluated 2024-12-07.

Conditions:
Cardiovascular phenotype. Identifiers: MedGen CN230736.

Allele frequency attached by ClinVar (database versions not stated): gnomAD 0.00001; gnomAD exomes 0.00001 and below 0.00001; TOPMed below 0.00001.
gnomAD v4.1: 11 of 1,610,622 alleles (0.00068%); highest among the groups gnomAD compares: East Asian, 0.0022%; no homozygotes.

Submissions (2):

Ambry Genetics
Classification: Uncertain significance for Cardiovascular phenotype. Last evaluated: 2024-12-07. Review status: criteria provided, single submitter. Criteria: Ambry Variant Classification Scheme 2023. Collection method: clinical testing. Allele origin: germline.
Comment: The p.R1724C variant (also known as c.5170C>T), located in coding exon 13 of the TNXB gene, results from a C to T substitution at nucleotide position 5170. The arginine at codon 1724 is replaced by cysteine, an amino acid with highly dissimilar properties. This amino acid position is conserved. In addition, this alteration is predicted to be tolerated by in silico analysis. Since supporting evidence is limited at this time, the clinical significance of this alteration remains unclear.

CeGaT Center for Human Genetics Tuebingen
Classification: Uncertain significance. Last evaluated: 2021-06-01. Review status: criteria provided, single submitter. Criteria: CeGaT Center For Human Genetics Tuebingen Variant Classification Criteria Version 2. Collection method: clinical testing. Allele origin: germline. Affected: yes. Observed: 1 variant allele.